The following is an entry in ClinVar:

NM_018127.7(ELAC2):c.1893A>G (p.Thr631=)

Gene: ELAC2 (elaC ribonuclease Z 2; minus strand). Cytogenetic location: 17p12.
Variant type: single nucleotide variant.
Coding change: c.1893A>G on transcript NM_018127.7 (MANE Select); coding-DNA position 1893, A replaced by G.
Protein change: p.Thr631=; no amino-acid change (threonine 631 retained).
Molecular consequence: synonymous variant.
Genome position (GRCh38, 1-based): chr17:12,994,978, T>C on the plus strand (A>G on the coding strand, the complement: ELAC2 is on the minus strand). VCF-style: chr17-12994978-T-C. GRCh37 (hg19) VCF-style: chr17-12898295-T-C.
Other names: c.1773A>G (NM_001165962.1); c.1773A>G, p.Thr591= (NM_001165962.2); c.1890A>G, p.Thr630= (NM_173717.2).
Identifiers: ClinVar variation 380022 (VCV000380022.18), dbSNP rs17552022, ClinGen allele CA8401027.

ClinVar aggregate classification (germline): Benign. Review status: criteria provided, multiple submitters, no conflicts (2 of 4 stars). 7 submissions from 7 submitters: Benign (6). 1 of the submissions does not count toward it. Last evaluated 2026-02-04.

Conditions:
Combined oxidative phosphorylation defect type 17. Also called: Combined oxidative phosphorylation deficiency 17. Identifiers: Orphanet 369913, MedGen C3809526, MONDO:0014190, OMIM 615440.
Prostate cancer, hereditary, 2 (HPC2). Identifiers: Orphanet 1331, MedGen C3539120, MONDO:0013872, OMIM 614731.

Allele frequency attached by ClinVar (database versions not stated): 1000 Genomes Project 0.05032; 1000 Genomes Project 30x 0.05122; TOPMed 0.08434; gnomAD 0.08507 and 0.08581; ESP Exome Variant Server 0.09180; gnomAD exomes 0.09869 and 0.11556; ExAC 0.09918.
gnomAD v4.1: 182,203 of 1,614,118 alleles (11%); highest among the groups gnomAD compares: Middle Eastern, 21%; 11,559 homozygotes.

Submissions (7):

Labcorp Genetics (formerly Invitae), Labcorp
Classification: Benign for Combined oxidative phosphorylation defect type 17. Last evaluated: 2026-02-04. Review status: criteria provided, single submitter. Criteria: Invitae Variant Classification Sherloc (09022015). Collection method: clinical testing. Allele origin: germline.

Blueprint Genetics
Classification: Benign. Last evaluated: 2024-11-28. Review status: criteria provided, single submitter. Criteria: ACMG Guidelines, 2015. Collection method: clinical testing. Allele origin: germline.

KCCC/NGS Laboratory, Kuwait Cancer Control Center
Classification: Benign for Prostate cancer, hereditary, 2. Last evaluated: 2023-07-07. Review status: criteria provided, single submitter. Criteria: ACMG Guidelines, 2015. Collection method: clinical testing. Allele origin: germline. Affected: yes.

Genome-Nilou Lab
Classification: Benign for Combined oxidative phosphorylation defect type 17. Last evaluated: 2021-07-30. Review status: criteria provided, single submitter. Criteria: ACMG Guidelines, 2015. Collection method: clinical testing. Allele origin: germline. Affected: no.

GeneDx
Classification: Benign. Last evaluated: 2015-12-16. Review status: criteria provided, single submitter. Criteria: GeneDx Variant Classification (06012015). Collection method: clinical testing. Allele origin: germline. Affected: yes.
Comment: This variant is considered likely benign or benign based on one or more of the following criteria: it is a conservative change, it occurs at a poorly conserved position in the protein, it is predicted to be benign by multiple in silico algorithms, and/or has population frequency not consistent with disease.

Breakthrough Genomics
Classification: Benign. Review status: criteria provided, single submitter. Criteria: ACMG Guidelines, 2015. Collection method: not provided. Allele origin: germline. Inheritance: Autosomal recessive inheritance. Affected: yes.

Mayo Clinic Laboratories, Mayo Clinic
Classification: Benign. Last evaluated: 2016-02-25. Review status: no assertion criteria provided. Collection method: clinical testing. Allele origin: unknown. Not counted in ClinVar's aggregate classification.